The following is an entry in ClinVar:

ClinVar aggregate classification (germline): Conflicting classifications of pathogenicity. Review status: criteria provided, conflicting classifications (1 of 4 stars). 8 submissions from 8 submitters: Uncertain significance (3); Likely benign (5). Last evaluated 2026-07-01.

Conditions:
Cardiovascular phenotype. Identifiers: MedGen CN230736.
Glycogen storage disease, type II (IOPD). Also called: Glucosidase acid-1,4-alpha deficiency; CARDIOMEGALIA GLYCOGENICA DIFFUSA; GLYCOGENOSIS, GENERALIZED, CARDIAC FORM; GSD II; Glycogen storage disease type 2; Acid maltase deficiency disease. Identifiers: Orphanet 365, MedGen C0017921, MONDO:0009290, OMIM 232300.

Allele frequency attached by ClinVar (database versions not stated): gnomAD exomes 0.00002 and 0.00003; TOPMed 0.00002; ESP Exome Variant Server 0.00008; ExAC 0.00002; gnomAD 0.00002.

Submissions (8):

CeGaT Center for Human Genetics Tuebingen
Classification: Likely benign. Last evaluated: 2026-07-01. Review status: criteria provided, single submitter. Criteria: CeGaT Center For Human Genetics Tuebingen Variant Classification Criteria Version 2. Collection method: clinical testing. Allele origin: germline. Affected: yes. Observed: 3 variant alleles.
Comment: GAA: BP4, BP7

Labcorp Genetics (formerly Invitae), Labcorp
Classification: Likely benign for Glycogen storage disease, type II. Last evaluated: 2026-01-28. Review status: criteria provided, single submitter. Criteria: Invitae Variant Classification Sherloc (09022015). Collection method: clinical testing. Allele origin: germline.

Mayo Clinic Laboratories, Mayo Clinic
Classification: Likely benign. Last evaluated: 2024-11-29. Review status: criteria provided, single submitter. Criteria: ACMG Guidelines, 2015. Collection method: clinical testing. Allele origin: germline. Observed: 1 variant allele.
Comment: BP4, BP7

Blueprint Genetics
Classification: Likely benign. Last evaluated: 2023-01-18. Review status: criteria provided, single submitter. Criteria: ACMG Guidelines, 2015. Collection method: clinical testing. Allele origin: germline.

Ambry Genetics
Classification: Likely benign for Cardiovascular phenotype. Last evaluated: 2022-12-25. Review status: criteria provided, single submitter. Criteria: Ambry Variant Classification Scheme 2023. Collection method: clinical testing. Allele origin: germline.

Revvity Omics, Revvity
Classification: Uncertain significance. Last evaluated: 2022-04-18. Review status: criteria provided, single submitter. Criteria: ACMG Guidelines, 2015. Collection method: clinical testing. Allele origin: germline.

Genome-Nilou Lab
Classification: Uncertain significance for Glycogen storage disease, type II. Last evaluated: 2021-07-22. Review status: criteria provided, single submitter. Criteria: ACMG Guidelines, 2015. Collection method: clinical testing. Allele origin: germline. Affected: no.

Illumina Laboratory Services, Illumina
Classification: Uncertain significance for Glycogen storage disease, type II. Last evaluated: 2018-01-12. Review status: criteria provided, single submitter. Criteria: ICSL Variant Classification Criteria 13 December 2019. Collection method: clinical testing. Allele origin: germline.

NM_000152.5(GAA):c.687C>T (p.Arg229=)

Gene: GAA (alpha glucosidase; plus strand). Cytogenetic location: 17q25.3.
Variant type: single nucleotide variant.
Coding change: c.687C>T on transcript NM_000152.5 (MANE Select); coding-DNA position 687, C replaced by T.
Protein change: p.Arg229=; no amino-acid change (arginine 229 retained).
Molecular consequence: synonymous variant.
Genome position (GRCh38, 1-based): chr17:80,105,889, C>T. VCF-style: chr17-80105889-C-T. GRCh37 (hg19) VCF-style: chr17-78079688-C-T.
Other names: p.Arg229=; c.687C>T (LRG_673t1); c.687C>T, p.Arg229= (NM_001079803.3, NM_001079804.3).
Identifiers: ClinVar variation 456428 (VCV000456428.48), dbSNP rs149814041, ClinGen allele CA8814964.